The following is an entry in ClinVar:

NM_001127198.5(TMC6):c.2387del (p.Pro796fs)

Gene: TMC6 (transmembrane channel like 6; minus strand). Cytogenetic location: 17q25.3.
Variant type: Deletion.
Coding change: c.2387del on transcript NM_001127198.5 (MANE Select); coding-DNA position 2387, one base deleted (C; older notation c.2387delC).
Protein change: p.Pro796fs; shifts the reading frame from proline 796.
Molecular consequence: frameshift variant. On other transcripts: non-coding transcript variant (4).
Genome position (GRCh38, 1-based): chr17:78,113,179, G deleted on the plus strand (C on the coding strand, the reverse complement: TMC6 is on the minus strand); the first of 5 consecutive G bases (chr17:78,113,179-78,113,183); deleting any one gives the same sequence. VCF-style (leftmost placement, unchanged base first): chr17-78113178-AG-A. GRCh37 (hg19) VCF-style: chr17-76109259-AG-A.
Other names: c.2387del, p.Pro796fs (NM_001321185.1, NM_001374596.1, NM_001375353.1 and 2 more transcripts); c.2207del, p.Pro736fs (NM_001374593.1, NM_001374594.1); short protein forms P736fs, P796fs.
Identifiers: ClinVar variation 5003066 (VCV005003066.1).

ClinVar aggregate classification (germline): Uncertain significance (1 of 4 stars; one submission).

Conditions:
Epidermodysplasia verruciformis, susceptibility to, 1. Identifiers: Orphanet 302, MedGen C4722564, MONDO:0100045, OMIM 226400.

Submission:

OLLIN Analises Genomicas, OLLIN
Classification: Uncertain significance for Epidermodysplasia verruciformis, susceptibility to, 1. Last evaluated: 2026-08-06. Review status: criteria provided, single submitter. Criteria: ACMG Guidelines 2015 PMID 25741868. Collection method: clinical testing. Allele origin: germline. Inheritance: Autosomal recessive inheritance.
Comment: This frameshift variant, located in exon 20 (of 20), has been observed in gnomAD with an allele frequency of 0.00032%, but has not been reported in ClinVar or identified in the literature. This variant causes a frameshift and introduces a premature stop codon, which is predicted to result in either a truncated protein or degradation of the mRNA via nonsense-mediated decay (NMD). According to the currently available evidence, this variant has been classified as uncertain significance (PVS1_M, PM2_P).